The following is an entry in ClinVar:

NM_001034850.3(RETREG1):c.586-2A>C

Gene: RETREG1 (reticulophagy regulator 1; minus strand). Cytogenetic location: 5p15.1.
Variant type: single nucleotide variant.
Coding change: c.586-2A>C on transcript NM_001034850.3 (MANE Select); the canonical splice acceptor site of the intron before coding-DNA position 586, A replaced by C.
Molecular consequence: splice acceptor variant.
Genome position (GRCh38, 1-based): chr5:16,481,095, T>G on the plus strand (A>C on the coding strand, the complement: RETREG1 is on the minus strand). VCF-style: chr5-16481095-T-G. GRCh37 (hg19) VCF-style: chr5-16481204-T-G.
Other names: c.163-2A>C (NM_019000.5).
Identifiers: ClinVar variation 5006866 (VCV005006866.2).

ClinVar aggregate classification (germline): Likely pathogenic (1 of 4 stars; one submission).

Conditions:
Neuropathy, hereditary sensory and autonomic, type 2B (HSAN2B). Also called: RETREG1-Related HSAN2 (HSAN2B). Identifiers: Orphanet 970, MedGen C2751092, MONDO:0013142, OMIM 613115.

Submission:

Juno Genomics, Hangzhou Juno Genomics, Inc
Classification: Likely pathogenic for Neuropathy, hereditary sensory and autonomic, type 2B. Review status: criteria provided, single submitter. Criteria: ACMG Guidelines, 2015. Collection method: clinical testing. Allele origin: germline.
Comment: Null variant in a gene where loss of function (LOF) is a known mechanism of disease.;Absent from controls (or at extremely low frequency if recessive) in Genome Aggregation Database.